The following is an entry in ClinVar:

ClinVar aggregate classification (germline): Likely benign. Review status: criteria provided, multiple submitters, no conflicts (2 of 4 stars). 4 submissions from 4 submitters: Likely benign (4). Last evaluated 2025-08-01.

Allele frequency attached by ClinVar (database versions not stated): 1000 Genomes Project 30x 0.00016; TOPMed 0.00041.
gnomAD v4.1: 886 of 1,612,726 alleles (0.055%); highest among the groups gnomAD compares: East Asian, 0.14%; 4 homozygotes.

Submissions (4):

Ambry Genetics
Classification: Likely benign. Last evaluated: 2025-08-01. Review status: criteria provided, single submitter. Criteria: Ambry Variant Classification Scheme 2023. Collection method: clinical testing. Allele origin: germline.

CeGaT Center for Human Genetics Tuebingen
Classification: Likely benign. Last evaluated: 2025-06-01. Review status: criteria provided, single submitter. Criteria: CeGaT Center For Human Genetics Tuebingen Variant Classification Criteria Version 2. Collection method: clinical testing. Allele origin: germline. Affected: yes. Observed: 2 variant alleles.
Comment: STAB1: BP4

Labcorp Genetics (formerly Invitae), Labcorp
Classification: Likely benign. Last evaluated: 2018-03-30. Review status: criteria provided, single submitter. Criteria: Invitae Variant Classification Sherloc (09022015). Collection method: clinical testing. Allele origin: germline.

Breakthrough Genomics
Classification: Likely benign. Review status: criteria provided, single submitter. Criteria: ACMG Guidelines, 2015. Collection method: not provided. Allele origin: germline. Inheritance: Unknown mechanism. Affected: yes.

NM_015136.3(STAB1):c.7316G>A (p.Arg2439His)

Gene: STAB1 (stabilin 1; plus strand). Cytogenetic location: 3p21.1.
Variant type: single nucleotide variant.
Coding change: c.7316G>A on transcript NM_015136.3 (MANE Select); coding-DNA position 7316, G replaced by A.
Protein change: p.Arg2439His; replaces arginine 2439 with histidine.
Molecular consequence: missense variant.
Genome position (GRCh38, 1-based): chr3:52,523,677, G>A. VCF-style: chr3-52523677-G-A. GRCh37 (hg19) VCF-style: chr3-52557693-G-A.
Other names: short protein forms R2439H.
Identifiers: ClinVar variation 737602 (VCV000737602.25), dbSNP rs138126209, ClinGen allele CA2442930.